The following is an entry in ClinVar:

ClinVar aggregate classification (germline): Pathogenic/Likely pathogenic; drug response. Review status: reviewed by expert panel (3 of 4 stars). 23 submissions from 17 submitters: Pathogenic (1); Likely pathogenic (1). 14 of the submissions do not count toward it. Last evaluated 2026-03-09.

Conditions:
RYR1-related myopathy. Identifiers: Orphanet 98742, MedGen CN305348, MONDO:0100150.
RYR1-related disorder. Also called: RYR1-related disorders; RYR1-related condition. Identifiers: MedGen CN239331.
Inborn genetic diseases. Identifiers: MedGen C0950123, MeSH D030342.
Congenital multicore myopathy with external ophthalmoplegia (CMYO1B). Also called: Congenital myopathy 1B, autosomal recessive; Minicore myopathy; MULTICORE MYOPATHY; MULTIMINICORE DISEASE WITH EXTERNAL OPHTHALMOPLEGIA; Minicore myopathy with external ophthalmoplegia. Identifiers: Orphanet 598, Orphanet 98905, MedGen C1850674, MONDO:0009712, OMIM 255320, HP:0003789.
Central core myopathy (CMYO1A). Also called: CONGENITAL MYOPATHY 1A, AUTOSOMAL DOMINANT, WITH SUSCEPTIBILITY TO MALIGNANT HYPERTHERMIA; Central core disease; Myopathy, central fibrillar. Identifiers: Orphanet 597, MedGen C5830701, MONDO:0007294, OMIM 117000.
Congenital myopathy with fiber type disproportion. Also called: Congenital fiber-type disproportion; Congenital fiber-type disproportion myopathy. Identifiers: Orphanet 2020, MedGen C0546264, MONDO:0009711. Inheritance: all.
Malignant hyperthermia, susceptibility to, 1 (MHS1). Also called: Malignant hyperthermia suceptibility 1; Anesthesia related hyperthermia; Malignant hyperpyrexia; Fulminating hyperpyrexia; Pharmacogenic myopathy; RYR1-Related Malignant Hyperthermia Susceptibility. Identifiers: Orphanet 423, MedGen C2930980, MONDO:0007783, OMIM 145600.
Malignant hyperthermia of anesthesia. Also called: Anesthesic-triggered malignant hyperthermia. Identifiers: Orphanet 423, MedGen C0024591, MONDO:0018493, HP:0034733.
desflurane response - Toxicity.
succinylcholine response - Toxicity.
sevoflurane response - Toxicity.
methoxyflurane response - Toxicity.
isoflurane response - Toxicity.
halothane response - Toxicity.
enflurane response - Toxicity.

Allele frequency attached by ClinVar (database versions not stated): gnomAD 0.00001; TOPMed 0.00001; gnomAD exomes 0.00002; ExAC 0.00003.
gnomAD v4.1: 28 of 1,599,222 alleles (0.0018%); highest among the groups gnomAD compares: South Asian, 0.0033%; no homozygotes.

Submissions 1 to 9 of 23:

ClinGen Congenital Myopathies Variant Curation Expert Panel, ClinGen
Classification: Likely pathogenic for RYR1-related myopathy. Last evaluated: 2026-03-09. Review status: reviewed by expert panel. Criteria: ClinGen CongenMyopathy ACMG Specifications RYR1 AR V2.0.0. Collection method: curation. Allele origin: germline. Inheritance: Autosomal recessive inheritance.
Comment: The NM_000540.3:c.7063C>T variant in RYR1 is a missense variant predicted to cause substitution of arginine by tryptophan at amino acid 2355 (p.Arg2355Trp). The highest population minor allele frequency in gnomAD v4.1 is 0.0000337 (1/29594 alleles) in the Ashkenazi Jewish population (PM2_Supporting, BS1, and BA1 are not met). The computational predictor REVEL gives a score of 0.861, which is above the threshold of ≥ 0.7, evidence that correlates with impact to RYR1 function (PP3). This variant has been detected in at least 4 individuals with clinical features of RYR1-related myopathy. Of those, two were compound heterozygous for the variant and a pathogenic or likely pathogenic variant and confirmed in trans by family testing (PMID: 22473935, 30611313, 37273706; PM3_Strong). Calcium release assays in HEK293 cells and patient derived myotubes and B-lymphoblastoid cells showed increased sensitivity of calcium release in response to caffeine, halothane and 4-chloro-mcresol, indicating that this variant impacts protein function (PMID: 28403410, 24361844, 15210166; PS3_Supporting). In summary, this variant meets the criteria to be classified as likely pathogenic for autosomal recessive RYR1-related myopathy based on the ACMG/AMP criteria applied, as specified by the ClinGen Congenital Myopathies VCEP: PM3_Strong, PS3_Supporting, PP3. (VCEP specifications version 2.0.0)

ClinPGx
Classification: drug response for sevoflurane response - Toxicity. Last evaluated: 2021-03-24. Review status: reviewed by expert panel. Criteria: Pharmacogenomics knowledge for personalized medicine. Collection method: curation. Allele origin: germline. Affected: yes.
Comment: PharmGKB Level of Evidence 1A: Level 1A clinical annotations describe variant-drug combinations that have variant-specific prescribing guidance available in a current clinical guideline annotation or an FDA-approved drug label annotation. Annotations of drug labels or clinical guidelines must give prescribing guidance for specific variants (e.g. CYP2C9*3, HLA-B*57:01) or provide mapping from defined allele functions to diplotypes and phenotypes to be used as supporting evidence for a level 1A clinical annotation. Level 1A clinical annotations must also be supported by at least one publication in addition to a clinical guideline or drug label with variant-specific prescribing guidance.

Drug is not necessarily used to treat response condition

ClinPGx
Classification: drug response for succinylcholine response - Toxicity. Last evaluated: 2021-03-24. Review status: reviewed by expert panel. Criteria: Pharmacogenomics knowledge for personalized medicine. Collection method: curation. Allele origin: germline. Affected: yes.
Comment: the same text as in the submission from ClinPGx above.

ClinPGx
Classification: drug response for desflurane response - Toxicity. Last evaluated: 2021-03-24. Review status: reviewed by expert panel. Criteria: Pharmacogenomics knowledge for personalized medicine. Collection method: curation. Allele origin: germline. Affected: yes.
Comment: the same text as in the submission from ClinPGx above.

ClinPGx
Classification: drug response for enflurane response - Toxicity. Last evaluated: 2021-03-24. Review status: reviewed by expert panel. Criteria: Pharmacogenomics knowledge for personalized medicine. Collection method: curation. Allele origin: germline. Affected: yes.
Comment: the same text as in the submission from ClinPGx above.

ClinPGx
Classification: drug response for halothane response - Toxicity. Last evaluated: 2021-03-24. Review status: reviewed by expert panel. Criteria: Pharmacogenomics knowledge for personalized medicine. Collection method: curation. Allele origin: germline. Affected: yes.
Comment: the same text as in the submission from ClinPGx above.

ClinPGx
Classification: drug response for isoflurane response - Toxicity. Last evaluated: 2021-03-24. Review status: reviewed by expert panel. Criteria: Pharmacogenomics knowledge for personalized medicine. Collection method: curation. Allele origin: germline. Affected: yes.
Comment: the same text as in the submission from ClinPGx above.

ClinPGx
Classification: drug response for methoxyflurane response - Toxicity. Last evaluated: 2021-03-24. Review status: reviewed by expert panel. Criteria: Pharmacogenomics knowledge for personalized medicine. Collection method: curation. Allele origin: germline. Affected: yes.
Comment: the same text as in the submission from ClinPGx above.

ClinGen Malignant Hyperthermia Susceptibility Variant Curation Expert Panel, ClinGen
Classification: Pathogenic for Malignant hyperthermia, susceptibility to, 1. Last evaluated: 2021-03-19. Review status: reviewed by expert panel. Criteria: ClinGen MHS ACMG Specifications V2. Collection method: curation. Allele origin: germline. Inheritance: Autosomal dominant inheritance.
Comment: This pathogenicity assessment is relevant only for malignant hyperthermia susceptibility (MHS) inherited in an autosomal dominant pattern. Variants in RYR1 can also cause other myopathies inherited in an autosomal dominant pattern or in an autosomal recessive pattern. Some of these disorders may predispose individuals to malignant hyperthermia. RYR1 variants may also contribute to a malignant hyperthermia reaction in combination with other genetic and non-genetic factors and the clinician needs to consider such factors in making management decisions. This sequence variant predicts a substitution of arginine with tryptophan at codon 2355 of the RYR1 protein, p.(Arg2355Trp). The maximum allele frequency for this variant among the six major gnomAD populations is NFE: .000036, a frequency consistent with pathogenicity for MHS. This variant has been reported in 18 unrelated individuals who have a personal or family history of a malignant hyperthermia reaction, 17 of these individuals had a positive in vitro contracture test (IVCT) or caffeine halothane contracture test (CHCT) result (if the proband was unavailable for testing, a positive diagnostic test result in a mutation-positive relative was counted), PS4 (PMID: 30236257, 23558838, 24361844, 12123492, 15210166, 23460944, 25256590, 22473935). This variant segregates with MHS in at least 12 individuals, PP1_Strong (PMID: 30236257, 24361844). Functional studies in HEK293 cells show an increased sensitivity to RYR1 agonists, PS3_Moderate (PMID: 28403410). Additionally, two ex vivo studies using myotubes and B-lymphocytes, showed increased sensitivity to RYR1 agonists in multiple unrelated individuals (PMID: 15210166, 24361844). This variant resides in a region of RYR1 considered to be a hotspot for pathogenic variants that contribute to MHS, PM1 (PMID: 21118704). A REVEL score >0.85 (0.861) supports a pathogenic status for this variant, PP3_Moderate. This variant has been classified as Pathogenic. Criteria implemented: PS3_Moderate, PS4, PM1, PP1_Strong, PP3_Moderate.

NM_000540.3(RYR1):c.7063C>T (p.Arg2355Trp)

Gene: RYR1 (ryanodine receptor 1; plus strand). Cytogenetic location: 19q13.2.
Variant type: single nucleotide variant.
Coding change: c.7063C>T on transcript NM_000540.3 (MANE Select); coding-DNA position 7063, C replaced by T.
Protein change: p.Arg2355Trp; replaces arginine 2355 with tryptophan.
Molecular consequence: missense variant.
Genome position (GRCh38, 1-based): chr19:38,499,670, C>T. VCF-style: chr19-38499670-C-T. GRCh37 (hg19) VCF-style: chr19-38990310-C-T.
Other names: NM_000540.3(RYR1):c.7063C>T; c.7063C>T, p.Arg2355Trp (NM_001042723.2); short protein forms R2355W.
Identifiers: ClinVar variation 133183 (VCV000133183.61), dbSNP rs193922803, ClinGen allele CA024693.
Genomic context (GRCh38, chr19:38,499,670, plus strand): 5'-CCCCTTTCCCCATGCGGGTGGCCAGGCGAGAGCGTGGAGGAGAACGCCAATGTGGTGGTG[C>T]GGCTGCTCATCCGGAAGCCTGAGTGCTTCGGACCCGCCCTGCGGGGTGAGGGTGGCTCAG-3'
Protein context (NP_000531.2, residues 2345-2365): SVEENANVVV[Arg2355Trp]LLIRKPECFG